The following is an entry in ClinVar:

NM_020458.4(TTC7A):c.779G>A (p.Gly260Asp)

Gene: TTC7A (tetratricopeptide repeat domain 7A; plus strand). Cytogenetic location: 2p21.
Variant type: single nucleotide variant.
Coding change: c.779G>A on transcript NM_020458.4 (MANE Select); coding-DNA position 779, G replaced by A.
Protein change: p.Gly260Asp; replaces glycine 260 with aspartic acid.
Molecular consequence: missense variant. On other transcripts: 5 prime UTR variant (1).
Genome position (GRCh38, 1-based): chr2:46,993,464, G>A. VCF-style: chr2-46993464-G-A. GRCh37 (hg19) VCF-style: chr2-47220603-G-A.
Other names: c.779G>A, p.Gly260Asp (NM_001288951.2); c.677G>A, p.Gly226Asp (NM_001288953.2); c.-126G>A (NM_001288955.2); short protein forms G260D, G226D.
Identifiers: ClinVar variation 1473591 (VCV001473591.6), dbSNP rs759008720, ClinGen allele CA1647357.

ClinVar aggregate classification (germline): Uncertain significance (1 of 4 stars; one submission).

Conditions:
Multiple gastrointestinal atresias. Also called: FAMILIAL INTESTINAL POLYATRESIA SYNDROME; Multiple intestinal atresia. Identifiers: Orphanet 2300, MedGen C0220744, MONDO:0009465.

Allele frequency attached by ClinVar (database versions not stated): ExAC 0.00001.
gnomAD v4.1: 2 of 1,614,188 alleles (0.00012%); highest among the groups gnomAD compares: Admixed American, 0.0017%; no homozygotes.

Submission:

Labcorp Genetics (formerly Invitae), Labcorp
Classification: Uncertain significance for Multiple gastrointestinal atresias. Last evaluated: 2023-10-16. Review status: criteria provided, single submitter. Criteria: Invitae Variant Classification Sherloc (09022015). Collection method: clinical testing. Allele origin: germline.
Comment: This sequence change replaces glycine, which is neutral and non-polar, with aspartic acid, which is acidic and polar, at codon 260 of the TTC7A protein (p.Gly260Asp). This variant is present in population databases (rs759008720, gnomAD 0.003%). This variant has not been reported in the literature in individuals affected with TTC7A-related conditions. ClinVar contains an entry for this variant (Variation ID: 1473591). Advanced modeling of protein sequence and biophysical properties (such as structural, functional, and spatial information, amino acid conservation, physicochemical variation, residue mobility, and thermodynamic stability) performed at Invitae indicates that this missense variant is expected to disrupt TTC7A protein function. In summary, the available evidence is currently insufficient to determine the role of this variant in disease. Therefore, it has been classified as a Variant of Uncertain Significance.